The following is an entry in ClinVar:

NM_000260.4(MYO7A):c.4658C>A (p.Pro1553His)

Gene: MYO7A (myosin VIIA; plus strand). Cytogenetic location: 11q13.5.
Variant type: single nucleotide variant.
Coding change: c.4658C>A on transcript NM_000260.4 (MANE Select); coding-DNA position 4658, C replaced by A.
Protein change: p.Pro1553His; replaces proline 1553 with histidine.
Molecular consequence: missense variant. On other transcripts: intron variant (2).
Genome position (GRCh38, 1-based): chr11:77,199,624, C>A. VCF-style: chr11-77199624-C-A. GRCh37 (hg19) VCF-style: chr11-76910669-C-A.
Other names: c.4536-25C>A (NM_001369365.1); c.4569-25C>A (NM_001127180.2); short protein forms P1553H.
Identifiers: ClinVar variation 1306334 (VCV001306334.6), dbSNP rs749598236, ClinGen allele CA224849283.

ClinVar aggregate classification (germline): Uncertain significance. Review status: criteria provided, multiple submitters, no conflicts (2 of 4 stars). 2 submissions from 2 submitters: Uncertain significance (2). Last evaluated 2021-08-27.

Allele frequency attached by ClinVar (database versions not stated): TOPMed 0.00001.
gnomAD v4.1: 3 of 1,608,584 alleles (0.00019%); highest among the groups gnomAD compares: Admixed American, 0.0034%; no homozygotes.

Submissions (2):

Labcorp Genetics (formerly Invitae), Labcorp
Classification: Uncertain significance. Last evaluated: 2021-08-27. Review status: criteria provided, single submitter. Criteria: Invitae Variant Classification Sherloc (09022015). Collection method: clinical testing. Allele origin: germline.
Comment: This sequence change replaces proline with histidine at codon 1553 of the MYO7A protein (p.Pro1553His). The proline residue is moderately conserved and there is a moderate physicochemical difference between proline and histidine. This variant is not present in population databases (ExAC no frequency). This variant has not been reported in the literature in individuals affected with MYO7A-related conditions. Advanced modeling of protein sequence and biophysical properties (such as structural, functional, and spatial information, amino acid conservation, physicochemical variation, residue mobility, and thermodynamic stability) performed at Invitae indicates that this missense variant is not expected to disrupt MYO7A protein function. In summary, the available evidence is currently insufficient to determine the role of this variant in disease. Therefore, it has been classified as a Variant of Uncertain Significance.

GeneDx
Classification: Uncertain significance. Last evaluated: 2021-07-16. Review status: criteria provided, single submitter. Criteria: GeneDx Variant Classification Process June 2021. Collection method: clinical testing. Allele origin: germline. Affected: yes.
Comment: In silico analysis, which includes protein predictors and evolutionary conservation, supports that this variant does not alter protein structure/function; Has not been previously published as pathogenic or benign to our knowledge; This variant is associated with the following publications: (PMID: 27535533)